The following is an entry in ClinVar:

NM_001035.3(RYR2):c.2302T>C (p.Phe768Leu)

Gene: RYR2 (ryanodine receptor 2; plus strand). Cytogenetic location: 1q43.
Variant type: single nucleotide variant.
Coding change: c.2302T>C on transcript NM_001035.3 (MANE Select); coding-DNA position 2302, T replaced by C.
Protein change: p.Phe768Leu; replaces phenylalanine 768 with leucine.
Molecular consequence: missense variant.
Genome position (GRCh38, 1-based): chr1:237,500,809, T>C. VCF-style: chr1-237500809-T-C. GRCh37 (hg19) VCF-style: chr1-237664109-T-C.
Other names: c.2302T>C (NM_001035.2); short protein forms F768L.
Identifiers: ClinVar variation 926144 (VCV000926144.7), dbSNP rs751507066, ClinGen allele CA345393202.

ClinVar aggregate classification (germline): Uncertain significance. Review status: criteria provided, multiple submitters, no conflicts (2 of 4 stars). 2 submissions from 2 submitters: Uncertain significance (2). Last evaluated 2023-12-05.

Conditions:
Cardiovascular phenotype. Identifiers: MedGen CN230736.
Cardiomyopathy (CMYO). Also called: Cardiomyopathies. Identifiers: Orphanet 167848, MedGen C0878544, MONDO:0004994, HP:0001638. Inheritance: Various modes of inheritance.

Submissions (2):

Color Diagnostics, LLC DBA Color Health
Classification: Uncertain significance for Cardiomyopathy. Last evaluated: 2023-12-05. Review status: criteria provided, single submitter. Criteria: ACMG Guidelines, 2015. Collection method: clinical testing. Allele origin: germline.
Comment: This missense variant replaces phenylalanine with leucine at codon 768 of the RYR2 protein. Computational prediction tools and conservation analyses suggest that this variant may have deleterious impact on protein function. Computational splicing tools suggest that this variant may not impact RNA splicing. To our knowledge, functional assays have not been performed for this variant nor has this variant been reported in individuals affected with cardiovascular disorders in the literature. This variant has not been identified in the general population by the Genome Aggregation Database (gnomAD). Available evidence is insufficient to determine the role of this variant in disease conclusively. Therefore, this variant is classified as a Variant of Uncertain Significance.

Ambry Genetics
Classification: Uncertain significance for Cardiovascular phenotype. Last evaluated: 2019-03-22. Review status: criteria provided, single submitter. Criteria: Ambry Variant Classification Scheme 2023. Collection method: clinical testing. Allele origin: germline.
Comment: The p.F768L variant (also known as c.2302T>C), located in coding exon 21 of the RYR2 gene, results from a T to C substitution at nucleotide position 2302. The phenylalanine at codon 768 is replaced by leucine, an amino acid with highly similar properties. This amino acid position is highly conserved in available vertebrate species. In addition, this alteration is predicted to be deleterious by in silico analysis. Since supporting evidence is limited at this time, the clinical significance of this alteration remains unclear.